The following is an entry in ClinVar:

ClinVar aggregate classification (germline): Pathogenic/Likely pathogenic. Review status: criteria provided, multiple submitters, no conflicts (2 of 4 stars). 2 submissions from 2 submitters: Pathogenic (1); Likely pathogenic (1). Last evaluated 2025-07-10.

Conditions:
X-linked agammaglobulinemia with growth hormone deficiency (IGHD3). Also called: AGAMMAGLOBULINEMIA AND ISOLATED GROWTH HORMONE DEFICIENCY, X-LINKED; FLEISHER SYNDROME; HYPOGAMMAGLOBULINEMIA AND ISOLATED GROWTH HORMONE DEFICIENCY, X-LINKED; IGHD III; Isolated growth hormone deficiency type 3; Growth hormone deficiency with hypogammaglobulinemia. Identifiers: Orphanet 231692, Orphanet 631, MedGen C0472813, MONDO:0010615, OMIM 307200.
X-linked agammaglobulinemia (XLA). Also called: Agammaglobulinemia, Bruton tyrosine kinase; Agammaglobulinemia, BTK; BTK-deficiency; IMMUNODEFICIENCY 1; Bruton's agammaglobulinemia; AGAMMAGLOBULINEMIA, X-LINKED, TYPE 1. Identifiers: Orphanet 229717, Orphanet 47, MedGen C0221026, MONDO:0010421, OMIM 300755.

Submissions (2):

Women's Health and Genetics/Laboratory Corporation of America, LabCorp
Classification: Likely pathogenic for X-linked agammaglobulinemia. Last evaluated: 2025-07-10. Review status: criteria provided, single submitter. Criteria: LabCorp Variant Classification Summary - May 2015. Collection method: clinical testing. Allele origin: germline.
Comment: Variant summary: BTK c.182T>A (p.Ile61Asn) results in a non-conservative amino acid change in the encoded protein sequence. Algorithms developed to predict the effect of missense changes on protein structure and function all suggest that this variant is likely to be disruptive. The variant was absent in 183453 control chromosomes. c.182T>A has been observed in individuals affected with X-Linked Agammaglobulinemia (e.g., Holinski-Feder_1998, Lougaris_2020, Nakagawa_2011, Shen_2004, internal data). These data indicate that the variant is likely to be associated with disease. To our knowledge, no experimental evidence demonstrating an impact on protein function has been reported. The following publications have been ascertained in the context of this evaluation (PMID: 10196129, 9445504, 15661031, 32169379, 21397315, 15082835). ClinVar contains an entry for this variant (Variation ID: 3724316). Based on the evidence outlined above, the variant was classified as likely pathogenic.

Labcorp Genetics (formerly Invitae), Labcorp
Classification: Pathogenic for X-linked agammaglobulinemia with growth hormone deficiency. Last evaluated: 2024-03-16. Review status: criteria provided, single submitter. Criteria: Invitae Variant Classification Sherloc (09022015). Collection method: clinical testing. Allele origin: germline.
Comment: This sequence change replaces isoleucine, which is neutral and non-polar, with asparagine, which is neutral and polar, at codon 61 of the BTK protein (p.Ile61Asn). This variant is not present in population databases (gnomAD no frequency). This missense change has been observed in individuals with agammaglobulinemia (PMID: 9445504; Invitae). Advanced modeling of protein sequence and biophysical properties (such as structural, functional, and spatial information, amino acid conservation, physicochemical variation, residue mobility, and thermodynamic stability) performed at Invitae indicates that this missense variant is expected to disrupt BTK protein function with a positive predictive value of 95%. This variant disrupts the p.Ile61 amino acid residue in BTK. Other variant(s) that disrupt this residue have been determined to be pathogenic (PMID: 11564824). This suggests that this residue is clinically significant, and that variants that disrupt this residue are likely to be disease-causing. For these reasons, this variant has been classified as Pathogenic.

Literature cited by the submitters: PubMed 15082835 (cited by Women's Health and Genetics/Laboratory Corporation of America, LabCorp); PubMed 9445504 (cited by Women's Health and Genetics/Laboratory Corporation of America, LabCorp and Labcorp Genetics (formerly Invitae), Labcorp); PubMed 15661031 (cited by Women's Health and Genetics/Laboratory Corporation of America, LabCorp); PubMed 10196129 (cited by Women's Health and Genetics/Laboratory Corporation of America, LabCorp); PubMed 21397315 (cited by Women's Health and Genetics/Laboratory Corporation of America, LabCorp); PubMed 32169379 (cited by Women's Health and Genetics/Laboratory Corporation of America, LabCorp); PubMed 11564824 (cited by Labcorp Genetics (formerly Invitae), Labcorp).

NM_000061.3(BTK):c.182T>A (p.Ile61Asn)

Gene: BTK (Bruton tyrosine kinase; minus strand). Cytogenetic location: Xq22.1.
Variant type: single nucleotide variant.
Coding change: c.182T>A on transcript NM_000061.3 (MANE Select); coding-DNA position 182, T replaced by A.
Protein change: p.Ile61Asn; replaces isoleucine 61 with asparagine.
Molecular consequence: missense variant.
Genome position (GRCh38, 1-based): chrX:101,374,594, A>T on the plus strand (T>A on the coding strand, the complement: BTK is on the minus strand). VCF-style: chrX-101374594-A-T. GRCh37 (hg19) VCF-style: chrX-100629582-A-T.
Other names: c.284T>A, p.Ile95Asn (NM_001287344.2); c.182T>A, p.Ile61Asn (NM_001287345.2); short protein forms I95N, I61N.
Identifiers: ClinVar variation 3724316 (VCV003724316.3).
Genomic context (GRCh38, chrX:101,374,594, plus strand): 5'-ACCGGAATCTGTCTTTCTGGAGGAGGATTTTTTTCAGGAACCACTGTTTCAACACAAGTG[A>T]TCTTCTCAACATCTATTGAACCCTTCTTACTGCCTCTTCTCTGAGAAGTAGAATGAGGAA-3'
Protein context (NP_000052.1, residues 51-71): SKKGSIDVEK[Ile61Asn]TCVETVVPEK